The following is an entry in ClinVar:

ClinVar aggregate classification (germline): Benign/Likely benign. Review status: criteria provided, multiple submitters, no conflicts (2 of 4 stars). 9 submissions from 9 submitters: Benign (1); Likely benign (8). Last evaluated 2026-01-09.

Conditions:
BAP1-related disorder. Also called: BAP1-related condition.
Melanoma, uveal, susceptibility to, 2 (UVM2). Also called: Melanoma, uveal 2. Identifiers: Orphanet 39044, MedGen C1847723, MONDO:0011696, OMIM 606661.
Hereditary cancer-predisposing syndrome. Also called: Neoplastic Syndromes, Hereditary; Hereditary Cancer Syndrome; Tumor predisposition; Hereditary neoplastic syndrome. Identifiers: Orphanet 140162, MedGen C0027672, MeSH D009386, MONDO:0015356.
BAP1-related tumor predisposition syndrome (TPDS1). Also called: Tumor susceptibility linked to germline BAP1 mutations; COMMON Syndrome; BAP1 tumor predisposition syndrome; TUMOR PREDISPOSITION SYNDROME 1. Identifiers: Orphanet 289539, MedGen C3280492, MONDO:0013692, OMIM 614327.

Allele frequency attached by ClinVar (database versions not stated): TOPMed 0.00002; gnomAD 0.00002.
gnomAD v4.1: 37 of 1,611,956 alleles (0.0023%); highest among the groups gnomAD compares: South Asian, 0.0055%; no homozygotes.

Submissions (9):

PreventionGenetics, part of Exact Sciences
Classification: Likely benign for BAP1-related condition. Last evaluated: 2026-01-09. Review status: criteria provided, single submitter. Criteria: ACMG Guidelines, 2015. Collection method: clinical testing. Allele origin: germline.
Comment: This variant is classified as likely benign based on ACMG/AMP sequence variant interpretation guidelines (Richards et al. 2015 PMID: 25741868, with internal and published modifications).

Labcorp Genetics (formerly Invitae), Labcorp
Classification: Likely benign for BAP1-related tumor predisposition syndrome. Last evaluated: 2025-12-09. Review status: criteria provided, single submitter. Criteria: Invitae Variant Classification Sherloc (09022015). Collection method: clinical testing. Allele origin: germline.

Center for Genomic Medicine, Rigshospitalet, Copenhagen University Hospital
Classification: Likely benign. Last evaluated: 2025-03-04. Review status: criteria provided, single submitter. Criteria: ACMG Guidelines, 2015. Collection method: clinical testing. Allele origin: germline.

Myriad Genetics, Inc.
Classification: Benign for BAP1-related tumor predisposition syndrome. Last evaluated: 2024-07-11. Review status: criteria provided, single submitter. Criteria: Myriad Autosomal Dominant, Autosomal Recessive and X-Linked Classification Criteria (2023). Collection method: clinical testing. Allele origin: unknown.
Comment: This variant is considered benign. This variant is a silent/synonymous amino acid change and it is not expected to impact splicing.

Blueprint Genetics
Classification: Likely benign. Last evaluated: 2024-06-07. Review status: criteria provided, single submitter. Criteria: ACMG Guidelines, 2015. Collection method: clinical testing. Allele origin: germline.

KCCC/NGS Laboratory, Kuwait Cancer Control Center
Classification: Likely benign for Melanoma, uveal, susceptibility to, 2. Last evaluated: 2023-07-07. Review status: criteria provided, single submitter. Criteria: ACMG Guidelines, 2015. Collection method: clinical testing. Allele origin: germline. Affected: yes.

Sema4
Classification: Likely benign for Hereditary cancer-predisposing syndrome. Last evaluated: 2020-08-25. Review status: criteria provided, single submitter. Criteria: Sema4 Curation Guidelines. Collection method: curation. Allele origin: germline.

Ambry Genetics
Classification: Likely benign for Hereditary cancer-predisposing syndrome. Last evaluated: 2017-02-09. Review status: criteria provided, single submitter. Criteria: Ambry Variant Classification Scheme 2023. Collection method: clinical testing. Allele origin: germline.

Color Diagnostics, LLC DBA Color Health
Classification: Likely benign for Hereditary cancer-predisposing syndrome. Last evaluated: 2017-01-17. Review status: criteria provided, single submitter. Criteria: ACMG Guidelines, 2015. Collection method: clinical testing. Allele origin: germline.

NM_004656.4(BAP1):c.210C>T (p.Ser70=)

Gene: BAP1 (BRCA1 associated deubiquitinase 1; minus strand). Cytogenetic location: 3p21.1.
Variant type: single nucleotide variant.
Coding change: c.210C>T on transcript NM_004656.4 (MANE Select); coding-DNA position 210, C replaced by T.
Protein change: p.Ser70=; no amino-acid change (serine 70 retained).
Molecular consequence: synonymous variant.
Genome position (GRCh38, 1-based): chr3:52,408,519, G>A on the plus strand (C>T on the coding strand, the complement: BAP1 is on the minus strand). VCF-style: chr3-52408519-G-A. GRCh37 (hg19) VCF-style: chr3-52442535-G-A.
Other names: c.210C>T (LRG_529t1).
Identifiers: ClinVar variation 485258 (VCV000485258.26), dbSNP rs558581070, ClinGen allele CA2437157.
Genomic context (GRCh38, chr3:52,408,519, plus strand): 5'-CAGAGTCCAGCAGACCTGGTGGGCAAAGAACATGTTATTCACAATATCATCATCAATCAC[G>A]GACGTATCATCCACCAAGGTAGAGACCTTTCGCCGGGACCGGCGCTCTTCGATCCATTTG-3'
Protein context (NP_004647.1, residues 60-80): RKVSTLVDDT[Ser70=]VIDDDIVNNM